The following is an entry in ClinVar:

ClinVar aggregate classification (germline): Uncertain significance (1 of 4 stars; one submission).

Conditions:
Bethlem myopathy 1A. Also called: MYOPATHY, BENIGN CONGENITAL, WITH CONTRACTURES; Bethlem myopathy 1; Bethlem Muscular Dystrophy. Identifiers: Orphanet 610, MedGen CN029274, MONDO:0024530, OMIM 158810.

gnomAD v4.1: 1 of 1,613,982 alleles (0.000062%); highest among the groups gnomAD compares: African/African-American, 0.0013%; no homozygotes.

Submission:

Labcorp Genetics (formerly Invitae), Labcorp
Classification: Uncertain significance for Bethlem myopathy 1A. Last evaluated: 2024-12-06. Review status: criteria provided, single submitter. Criteria: Invitae Variant Classification Sherloc (09022015). Collection method: clinical testing. Allele origin: germline.
Comment: This sequence change replaces glutamic acid, which is acidic and polar, with glycine, which is neutral and non-polar, at codon 2057 of the COL6A3 protein (p.Glu2057Gly). This variant is present in population databases (no rsID available, gnomAD 0.007%). This missense change has been observed in individual(s) with COL6A3-related conditions (PMID: 34440373). Invitae Evidence Modeling of protein sequence and biophysical properties (such as structural, functional, and spatial information, amino acid conservation, physicochemical variation, residue mobility, and thermodynamic stability) indicates that this missense variant is not expected to disrupt COL6A3 protein function with a negative predictive value of 80%. In summary, the available evidence is currently insufficient to determine the role of this variant in disease. Therefore, it has been classified as a Variant of Uncertain Significance.

Literature cited by the submitters: PubMed 34440373.

NM_004369.4(COL6A3):c.6170A>G (p.Glu2057Gly)

Gene: COL6A3 (collagen type VI alpha 3 chain; minus strand). Cytogenetic location: 2q37.3.
Variant type: single nucleotide variant.
Coding change: c.6170A>G on transcript NM_004369.4 (MANE Select); coding-DNA position 6170, A replaced by G.
Protein change: p.Glu2057Gly; replaces glutamic acid 2057 with glycine.
Molecular consequence: missense variant.
Genome position (GRCh38, 1-based): chr2:237,361,161, T>C on the plus strand (A>G on the coding strand, the complement: COL6A3 is on the minus strand). VCF-style: chr2-237361161-T-C. GRCh37 (hg19) VCF-style: chr2-238269804-T-C.
Other names: c.4349A>G, p.Glu1450Gly (NM_057166.5); c.5552A>G, p.Glu1851Gly (NM_057167.4); short protein forms E1851G, E1450G, E2057G.
Identifiers: ClinVar variation 3699602 (VCV003699602.2).